The following is an entry in ClinVar:

NM_001754.5(RUNX1):c.987G>A (p.Ala329=)

Gene: RUNX1 (RUNX family transcription factor 1; minus strand). Cytogenetic location: 21q22.12.
Variant type: single nucleotide variant.
Coding change: c.987G>A on transcript NM_001754.5 (MANE Select); coding-DNA position 987, G replaced by A.
Protein change: p.Ala329=; no amino-acid change (alanine 329 retained).
Molecular consequence: synonymous variant.
Genome position (GRCh38, 1-based): chr21:34,792,591, C>T on the plus strand (G>A on the coding strand, the complement: RUNX1 is on the minus strand). VCF-style: chr21-34792591-C-T. GRCh37 (hg19) VCF-style: chr21-36164888-C-T.
Other names: NM_001754.5(RUNX1):c.987G>A; p.Ala329=; c.906G>A, p.Ala302= (NM_001001890.3); c.987G>A (NM_001754.4).
Identifiers: ClinVar variation 1595719 (VCV001595719.10), dbSNP rs1332206830, ClinGen allele CA512341391.

ClinVar aggregate classification (germline): Likely benign. Review status: reviewed by expert panel (3 of 4 stars). 3 submissions from 3 submitters: Likely benign (1). 2 of the submissions do not count toward it. Last evaluated 2024-09-18.

Conditions:
Hereditary thrombocytopenia and hematologic cancer predisposition syndrome. Identifiers: Orphanet 71290, MedGen CN281654, MONDO:0011071.
Hereditary thrombocytopenia and hematological cancer predisposition syndrome associated with RUNX1. Also called: RUNX1 Familial Platelet Disorder with Associated Myeloid Malignancies; Familial Platelet Disorder with Propensity to Acute Myelogenous Leukemia; Familial thrombocytopenia with propensity to acute myelogenous leukemia; PLATELET DISORDER, ASPIRIN-LIKE. Identifiers: Orphanet 71290, MedGen C1832388, MeSH C563324, MONDO:0100083, OMIM 601399.
Inborn genetic diseases. Identifiers: MedGen C0950123, MeSH D030342.

Submissions (3):

ClinGen Myeloid Malignancy Variant Curation Expert Panel
Classification: Likely benign for Hereditary thrombocytopenia and hematologic cancer predisposition syndrome. Last evaluated: 2024-09-18. Review status: reviewed by expert panel. Criteria: ClinGen MyeloMalig ACMG Specifications v2. Collection method: curation. Allele origin: germline. Inheritance: Autosomal dominant inheritance.
Comment: NM_001754.5(RUNX1):c.987G>A (p.Ala329=) is a synonymous variant which has a SpliceAI score ≤ 0.20 (0.0) (BP4). This variant has a SpliceAI score ≤ 0.20 (0.0) and evolutionary conservation algorithms predict the site as not being conserved (PhyloP score ≤ 2.0 (-0.50)) (BP7). This variant is completely absent from all population databases with at least 20x coverage for RUNX1 (PM2_supporting). In summary, this variant meets criteria to be classified as likely benign. ACMG/AMP criteria applied, as specified by the Myeloid Malignancy Variant Curation Expert Panel for RUNX1: BP4, BP7, PM2_supporting.

Ambry Genetics
Classification: Likely benign for Inborn genetic diseases. Last evaluated: 2025-07-01. Review status: criteria provided, single submitter. Criteria: Ambry Variant Classification Scheme 2023. Collection method: clinical testing. Allele origin: germline. Not counted in ClinVar's aggregate classification.

Labcorp Genetics (formerly Invitae), Labcorp
Classification: Likely benign for Hereditary thrombocytopenia and hematological cancer predisposition syndrome associated with RUNX1. Last evaluated: 2024-03-28. Review status: criteria provided, single submitter. Criteria: Invitae Variant Classification Sherloc (09022015). Collection method: clinical testing. Allele origin: germline. Not counted in ClinVar's aggregate classification.